The following is an entry in ClinVar:

NM_001142800.2(EYS):c.9186C>T (p.Asn3062=)

Genes: EYS (EGF-like photoreceptor maintenance factor; minus strand), PHF3 (PHD finger protein 3; plus strand). Cytogenetic location: 6q12.
Variant type: single nucleotide variant.
Coding change: c.9186C>T on transcript NM_001142800.2 (MANE Select); coding-DNA position 9186, C replaced by T.
Protein change: p.Asn3062=; no amino-acid change (asparagine 3062 retained).
Molecular consequence: synonymous variant. On other transcripts: 3 prime UTR variant (5).
Genome position (GRCh38, 1-based): chr6:63,720,845, G>A on the plus strand (C>T on the coding strand, the complement: EYS is on the minus strand). VCF-style: chr6-63720845-G-A. GRCh37 (hg19) VCF-style: chr6-64430741-G-A.
Other names: c.*7137G>A (NM_001290259.2, NM_001370348.2, NM_001370349.2 and 2 more transcripts); c.9249C>T, p.Asn3083= (NM_001292009.2).
Identifiers: ClinVar variation 740948 (VCV000740948.12), dbSNP rs1203358626, ClinGen allele CA450862155.

ClinVar aggregate classification (germline): Likely benign. Review status: criteria provided, multiple submitters, no conflicts (2 of 4 stars). 3 submissions from 3 submitters: Likely benign (2). 1 of the submissions does not count toward it. Last evaluated 2026-02-22.

Conditions:
EYS-related disorder. Also called: EYS-related condition.
Retinitis pigmentosa 25 (RP25). Identifiers: Orphanet 791, MedGen C1864446, MONDO:0011272, OMIM 602772.

Allele frequency attached by ClinVar (database versions not stated): gnomAD exomes 0.00003 and 0.00010; gnomAD 0.00005; TOPMed 0.00008.
gnomAD v4.1: 43 of 1,550,966 alleles (0.0028%); highest among the groups gnomAD compares: Admixed American, 0.067%; no homozygotes.

Submissions (3):

PreventionGenetics, part of Exact Sciences
Classification: Likely benign for EYS-related condition. Last evaluated: 2026-02-22. Review status: criteria provided, single submitter. Criteria: ACMG Guidelines, 2015. Collection method: clinical testing. Allele origin: germline.
Comment: This variant is classified as likely benign based on ACMG/AMP sequence variant interpretation guidelines (Richards et al. 2015 PMID: 25741868, with internal and published modifications).

Labcorp Genetics (formerly Invitae), Labcorp
Classification: Likely benign. Last evaluated: 2025-11-27. Review status: criteria provided, single submitter. Criteria: Invitae Variant Classification Sherloc (09022015). Collection method: clinical testing. Allele origin: germline.

Natera, Inc.
Classification: Likely benign for Retinitis pigmentosa type 25. Last evaluated: 2020-09-26. Review status: no assertion criteria provided. Collection method: clinical testing. Allele origin: germline. Not counted in ClinVar's aggregate classification.